The following is an entry in ClinVar:

NM_018451.5(CPAP):c.2075G>A (p.Arg692His)

Gene: CPAP (centrosome assembly and centriole elongation protein; minus strand). Cytogenetic location: 13q12.13.
Variant type: single nucleotide variant.
Coding change: c.2075G>A on transcript NM_018451.5 (MANE Select); coding-DNA position 2075, G replaced by A.
Protein change: p.Arg692His; replaces arginine 692 with histidine.
Molecular consequence: missense variant. On other transcripts: non-coding transcript variant (2).
Genome position (GRCh38, 1-based): chr13:24,905,963, C>T on the plus strand (G>A on the coding strand, the complement: CPAP is on the minus strand). VCF-style: chr13-24905963-C-T. GRCh37 (hg19) VCF-style: chr13-25480101-C-T.
Other names: c.2075G>A (NM_018451.3); short protein forms R692H.
Identifiers: ClinVar variation 1385664 (VCV001385664.7), dbSNP rs200890637, ClinGen allele CA6919655.
Genomic context (GRCh38, chr13:24,905,963, plus strand): 5'-ACATCAAGCTGTTCCTCAGAGTCAGTGCTACTGTCACTATTTGGAACACCTTCATCGTCA[C>T]GTGCATTCCATTCAGTCTGATTTTCAGAAGTGCTCTTTTGGACGGCTTTCCTGATTTTAC-3'
Protein context (NP_060921.3, residues 682-702): TSENQTEWNA[Arg692His]DDEGVPNSDS

ClinVar aggregate classification (germline): Uncertain significance. Review status: criteria provided, multiple submitters, no conflicts (2 of 4 stars). 2 submissions from 2 submitters: Uncertain significance (2). Last evaluated 2024-12-16.

Conditions:
Inborn genetic diseases. Identifiers: MedGen C0950123, MeSH D030342.

Allele frequency attached by ClinVar (database versions not stated): TOPMed 0.00003; gnomAD exomes 0.00004 and 0.00009; ESP Exome Variant Server 0.00008; ExAC 0.00012.
gnomAD v4.1: 64 of 1,614,034 alleles (0.004%); highest among the groups gnomAD compares: South Asian, 0.044%; no homozygotes.

Submissions (2):

Labcorp Genetics (formerly Invitae), Labcorp
Classification: Uncertain significance. Last evaluated: 2024-12-16. Review status: criteria provided, single submitter. Criteria: Invitae Variant Classification Sherloc (09022015). Collection method: clinical testing. Allele origin: germline.
Comment: This sequence change replaces arginine, which is basic and polar, with histidine, which is basic and polar, at codon 692 of the CENPJ protein (p.Arg692His). This variant is present in population databases (rs200890637, gnomAD 0.06%). This variant has not been reported in the literature in individuals affected with CENPJ-related conditions. ClinVar contains an entry for this variant (Variation ID: 1385664). Invitae Evidence Modeling of protein sequence and biophysical properties (such as structural, functional, and spatial information, amino acid conservation, physicochemical variation, residue mobility, and thermodynamic stability) indicates that this missense variant is not expected to disrupt CENPJ protein function with a negative predictive value of 80%. In summary, the available evidence is currently insufficient to determine the role of this variant in disease. Therefore, it has been classified as a Variant of Uncertain Significance.

Ambry Genetics
Classification: Uncertain significance for Inborn genetic diseases. Last evaluated: 2022-04-22. Review status: criteria provided, single submitter. Criteria: Ambry Variant Classification Scheme 2023. Collection method: clinical testing. Allele origin: germline.